The following is an entry in ClinVar:

NM_000969.5(RPL5):c.-42A>C

Gene: RPL5 (ribosomal protein L5; plus strand). Cytogenetic location: 1p22.1.
Variant type: single nucleotide variant.
Coding change: c.-42A>C on transcript NM_000969.5 (MANE Select); 42 bases upstream of the start codon, A replaced by C.
Molecular consequence: 5 prime UTR variant. On other transcripts: non-coding transcript variant (1).
Genome position (GRCh38, 1-based): chr1:92,832,073, A>C. VCF-style: chr1-92832073-A-C. GRCh37 (hg19) VCF-style: chr1-93297630-A-C.
Other names: c.-42A>C (LRG_1155t1).
Identifiers: ClinVar variation 298203 (VCV000298203.5), dbSNP rs145634330, ClinGen allele CA952267.

ClinVar aggregate classification (germline): Benign (1 of 4 stars; one submission).

Conditions:
Diamond-Blackfan anemia 6 (DBA6). Also called: RPL5-Related Diamond-Blackfan Anemia. Identifiers: Orphanet 124, MedGen C2931850, MONDO:0012937, OMIM 612561.

Allele frequency attached by ClinVar (database versions not stated): ESP Exome Variant Server 0.00108; 1000 Genomes Project 0.00140; gnomAD 0.00150; TOPMed 0.00150; 1000 Genomes Project 30x 0.00156.
gnomAD v4.1: 3,447 of 1,613,636 alleles (0.21%); highest among the groups gnomAD compares: Middle Eastern, 0.61%; 9 homozygotes.

Submission:

Illumina Laboratory Services, Illumina
Classification: Benign for Diamond-Blackfan anemia 6. Last evaluated: 2018-01-12. Review status: criteria provided, single submitter. Criteria: ICSL Variant Classification Criteria 13 December 2019. Collection method: clinical testing. Allele origin: germline.
Comment: This variant was observed in the ICSL laboratory as part of a predisposition screen in an ostensibly healthy population. It had not been previously curated by ICSL or reported in the Human Gene Mutation Database (HGMD: prior to June 1st, 2018), and was therefore a candidate for classification through an automated scoring system. Utilizing variant allele frequency, disease prevalence and penetrance estimates, and inheritance mode, an automated score was calculated to assess if this variant is too frequent to cause the disease. Based on the score and internal cut-off values, a variant classified as benign is not then subjected to further curation. The score for this variant resulted in a classification of benign for this disease.